The following is an entry in ClinVar:

ClinVar aggregate classification (germline): Likely pathogenic (1 of 4 stars; one submission).

Conditions:
Choanal atresia-athelia-hypothyroidism-delayed puberty-short stature syndrome (BCAHH). Also called: BRANCHIAL ARCH ABNORMALITIES, CHOANAL ATRESIA, ATHELIA, HEARING LOSS, AND HYPOTHYROIDISM SYNDROME. Identifiers: Orphanet 589856, MedGen C5680310, MONDO:0035651, OMIM 620186.
Kabuki syndrome 1 (KABUK1). Also called: KMT2D-Related Kabuki Syndrome. Identifiers: Orphanet 2322, MedGen CN030661, MONDO:0007843, OMIM 147920.

Submission:

Juno Genomics, Hangzhou Juno Genomics, Inc
Classification: Likely pathogenic for Choanal atresia-athelia-hypothyroidism-delayed puberty-short stature syndrome; Kabuki syndrome 1. Review status: criteria provided, single submitter. Criteria: ACMG Guidelines, 2015. Collection method: clinical testing. Allele origin: germline.
Comment: Null variant in a gene where loss of function (LOF) is a known mechanism of disease.;Absent from controls (or at extremely low frequency if recessive) in Genome Aggregation Database.

NM_003482.4(KMT2D):c.15043C>T (p.Gln5015Ter)

Gene: KMT2D (lysine methyltransferase 2D; minus strand). Cytogenetic location: 12q13.12.
Variant type: single nucleotide variant.
Coding change: c.15043C>T on transcript NM_003482.4 (MANE Select); coding-DNA position 15043, C replaced by T.
Protein change: p.Gln5015Ter; replaces glutamine 5015 with a stop codon.
Molecular consequence: nonsense.
Genome position (GRCh38, 1-based): chr12:49,026,923, G>A on the plus strand (C>T on the coding strand, the complement: KMT2D is on the minus strand). VCF-style: chr12-49026923-G-A. GRCh37 (hg19) VCF-style: chr12-49420706-G-A.
Other names: short protein forms Q5015*.
Identifiers: ClinVar variation 5005112 (VCV005005112.2).